The following is an entry in ClinVar:

ClinVar aggregate classification (germline): Uncertain significance (1 of 4 stars; one submission).

Submission:

Labcorp Genetics (formerly Invitae), Labcorp
Classification: Uncertain significance. Last evaluated: 2023-07-17. Review status: criteria provided, single submitter. Criteria: Invitae Variant Classification Sherloc (09022015). Collection method: clinical testing. Allele origin: germline.
Comment: ClinVar contains an entry for this variant (Variation ID: 2000531). This variant has not been reported in the literature in individuals affected with CAPN1-related conditions. This variant is not present in population databases (gnomAD no frequency). This sequence change replaces isoleucine, which is neutral and non-polar, with methionine, which is neutral and non-polar, at codon 83 of the CAPN1 protein (p.Ile83Met). In summary, the available evidence is currently insufficient to determine the role of this variant in disease. Therefore, it has been classified as a Variant of Uncertain Significance. Advanced modeling of protein sequence and biophysical properties (such as structural, functional, and spatial information, amino acid conservation, physicochemical variation, residue mobility, and thermodynamic stability) performed at Invitae indicates that this missense variant is not expected to disrupt CAPN1 protein function.

NM_005186.4(CAPN1):c.249C>G (p.Ile83Met)

Gene: CAPN1 (calpain 1; plus strand). Cytogenetic location: 11q13.1.
Variant type: single nucleotide variant.
Coding change: c.249C>G on transcript NM_005186.4 (MANE Select); coding-DNA position 249, C replaced by G.
Protein change: p.Ile83Met; replaces isoleucine 83 with methionine.
Molecular consequence: missense variant. On other transcripts: nonsense (1), non-coding transcript variant (1).
Genome position (GRCh38, 1-based): chr11:65,182,950, C>G. VCF-style: chr11-65182950-C-G. GRCh37 (hg19) VCF-style: chr11-64950421-C-G.
Other names: c.249C>G, p.Ile83Met (NM_001198868.2, NM_001198869.2); c.158C>G, p.Ser53Ter (NM_001198870.1); short protein forms I83M, S53*.
Identifiers: ClinVar variation 2000531 (VCV002000531.4), dbSNP rs2539251624, ClinGen allele CA381241208.